The following is an entry in ClinVar:

ClinVar aggregate classification (germline): Uncertain significance. Review status: criteria provided, single submitter (1 of 4 stars). 2 submissions from 2 submitters: Uncertain significance (1). 1 of the submissions does not count toward it. Last evaluated 2022-06-11.

Conditions:
PCNT-related disorder. Also called: PCNT-related condition.

gnomAD v4.1: 44 of 1,597,538 alleles (0.0028%); highest among the groups gnomAD compares: African/African-American, 0.043%; no homozygotes.

Submissions (2):

Labcorp Genetics (formerly Invitae), Labcorp
Classification: Uncertain significance. Last evaluated: 2022-06-11. Review status: criteria provided, single submitter. Criteria: Invitae Variant Classification Sherloc (09022015). Collection method: clinical testing. Allele origin: germline.
Comment: This sequence change replaces arginine, which is basic and polar, with leucine, which is neutral and non-polar, at codon 2561 of the PCNT protein (p.Arg2561Leu). This variant is present in population databases (rs761765918, gnomAD 0.03%). This variant has not been reported in the literature in individuals affected with PCNT-related conditions. Algorithms developed to predict the effect of missense changes on protein structure and function are either unavailable or do not agree on the potential impact of this missense change (SIFT: "Deleterious"; PolyPhen-2: "Possibly Damaging"; Align-GVGD: "Class C0"). In summary, the available evidence is currently insufficient to determine the role of this variant in disease. Therefore, it has been classified as a Variant of Uncertain Significance.

PreventionGenetics, part of Exact Sciences
Classification: Uncertain significance for PCNT-related condition. Last evaluated: 2024-04-01. Review status: no assertion criteria provided. Collection method: clinical testing. Allele origin: germline. Not counted in ClinVar's aggregate classification.
Comment: The PCNT c.7682G>T variant is predicted to result in the amino acid substitution p.Arg2561Leu. To our knowledge, this variant has not been reported in the literature. This variant is reported in 0.031% of alleles in individuals of African descent in gnomAD. At this time, the clinical significance of this variant is uncertain due to the absence of conclusive functional and genetic evidence.

NM_006031.6(PCNT):c.7682G>T (p.Arg2561Leu)

Gene: PCNT (pericentrin; plus strand). Cytogenetic location: 21q22.3.
Variant type: single nucleotide variant.
Coding change: c.7682G>T on transcript NM_006031.6 (MANE Select); coding-DNA position 7682, G replaced by T.
Protein change: p.Arg2561Leu; replaces arginine 2561 with leucine.
Molecular consequence: missense variant.
Genome position (GRCh38, 1-based): chr21:46,428,582, G>T. VCF-style: chr21-46428582-G-T. GRCh37 (hg19) VCF-style: chr21-47848496-G-T.
Other names: c.7328G>T, p.Arg2443Leu (NM_001315529.2); c.7682G>T (NM_006031.5); short protein forms R2443L, R2561L.
Identifiers: ClinVar variation 2413812 (VCV002413812.5), dbSNP rs761765918, ClinGen allele CA10080745.